The following is an entry in ClinVar:

ClinVar aggregate classification (germline): Likely benign. Review status: criteria provided, multiple submitters, no conflicts (2 of 4 stars). 8 submissions from 6 submitters: Likely benign (8). Last evaluated 2026-01-13.

Conditions:
Hypertrophic cardiomyopathy 2. Also called: TNNT2-Related Familial Hypertrophic Cardiomyopathy. Identifiers: MedGen C1861864, MONDO:0007266, OMIM 115195.
Cardiovascular phenotype. Identifiers: MedGen CN230736.
Cardiomyopathy (CMYO). Also called: Cardiomyopathies. Identifiers: Orphanet 167848, MedGen C0878544, MONDO:0004994, HP:0001638. Inheritance: Various modes of inheritance.
Dilated cardiomyopathy 1D. Identifiers: Orphanet 154, Orphanet 54260, MedGen C1832243, MONDO:0011095, OMIM 601494.
Cardiomyopathy, familial restrictive, 3. Identifiers: Orphanet 75249, MedGen C2676271, MONDO:0012900, OMIM 612422.

Allele frequency attached by ClinVar (database versions not stated): ExAC 0.00002; TOPMed 0.00002; gnomAD 0.00006.
gnomAD v4.1: 71 of 1,612,824 alleles (0.0044%); highest among the groups gnomAD compares: Non-Finnish European, 0.0058%; no homozygotes.

Submissions (8):

Labcorp Genetics (formerly Invitae), Labcorp
Classification: Likely benign for Cardiomyopathy, familial restrictive, 3; Hypertrophic cardiomyopathy 2; Dilated cardiomyopathy 1D. Last evaluated: 2026-01-13. Review status: criteria provided, single submitter. Criteria: Invitae Variant Classification Sherloc (09022015). Collection method: clinical testing. Allele origin: germline.

Molecular Diagnostic Laboratory for Inherited Cardiovascular Disease, Montreal Heart Institute
Classification: Likely benign. Last evaluated: 2025-04-09. Review status: criteria provided, single submitter. Criteria: ACMG Guidelines, 2015. Collection method: clinical testing. Allele origin: germline. Affected: no.

All of Us Research Program, National Institutes of Health
Classification: Likely benign for Cardiomyopathy. Last evaluated: 2024-02-05. Review status: criteria provided, single submitter. Criteria: ACMG Guidelines, 2015. Collection method: clinical testing. Allele origin: germline. Inheritance: Autosomal dominant inheritance. Observed: 4 variant alleles, 4 heterozygotes.
Comment: This study involves interpretation of variants in research participants for the purpose of population health screening. Participant phenotype was not available at the time of variant classification. Additional details can be found in publication PMID: 35346344, PMCID: PMC8962531

Genome-Nilou Lab
Classification: Likely benign for Dilated cardiomyopathy 1D. Last evaluated: 2023-04-11. Review status: criteria provided, single submitter. Criteria: ACMG Guidelines, 2015. Collection method: clinical testing. Allele origin: germline. Affected: no.

Genome-Nilou Lab
Classification: Likely benign for Cardiomyopathy, familial restrictive, 3. Last evaluated: 2023-04-11. Review status: criteria provided, single submitter. Criteria: ACMG Guidelines, 2015. Collection method: clinical testing. Allele origin: germline. Affected: no.

Genome-Nilou Lab
Classification: Likely benign for Hypertrophic cardiomyopathy 2. Last evaluated: 2023-04-11. Review status: criteria provided, single submitter. Criteria: ACMG Guidelines, 2015. Collection method: clinical testing. Allele origin: germline. Affected: no.

Color Diagnostics, LLC DBA Color Health
Classification: Likely benign for Cardiomyopathy. Last evaluated: 2019-10-21. Review status: criteria provided, single submitter. Criteria: ACMG Guidelines, 2015. Collection method: clinical testing. Allele origin: germline.

Ambry Genetics
Classification: Likely benign for Cardiovascular phenotype. Last evaluated: 2017-04-20. Review status: criteria provided, single submitter. Criteria: Ambry Variant Classification Scheme 2023. Collection method: clinical testing. Allele origin: germline.

NM_001276345.2(TNNT2):c.430C>A (p.Arg144=)

Gene: TNNT2 (troponin T2, cardiac type; minus strand). Cytogenetic location: 1q32.1.
Variant type: single nucleotide variant.
Coding change: c.430C>A on transcript NM_001276345.2 (MANE Select); coding-DNA position 430, C replaced by A.
Protein change: p.Arg144=; no amino-acid change (arginine 144 retained).
Molecular consequence: synonymous variant.
Genome position (GRCh38, 1-based): chr1:201,364,357, G>T on the plus strand (C>A on the coding strand, the complement: TNNT2 is on the minus strand). VCF-style: chr1-201364357-G-T. GRCh37 (hg19) VCF-style: chr1-201333485-G-T.
Other names: c.400C>A (NM_001001430.2); c.430C>A, p.Arg144= (NM_000364.4); c.400C>A, p.Arg134= (NM_001001430.3, NM_001001431.3, NM_001276347.2); c.385C>A, p.Arg129= (NM_001001432.3); c.310C>A, p.Arg104= (NM_001276346.2).
Identifiers: ClinVar variation 518993 (VCV000518993.18), dbSNP rs45525839, ClinGen allele CA088141.